The following is an entry in ClinVar:

ClinVar aggregate classification (germline): Uncertain significance. Review status: criteria provided, multiple submitters, no conflicts (2 of 4 stars). 2 submissions from 2 submitters: Uncertain significance (2). Last evaluated 2025-02-14.

Conditions:
BBS4-related disorder. Also called: BBS4-related condition.
Bardet-Biedl syndrome (BBS). Identifiers: Orphanet 110, MedGen C0752166, MONDO:0015229.

Allele frequency attached by ClinVar (database versions not stated): gnomAD exomes 0.00002.
gnomAD v4.1: 23 of 1,614,224 alleles (0.0014%); highest among the groups gnomAD compares: Non-Finnish European, 0.0019%; no homozygotes.

Submissions (2):

PreventionGenetics, part of Exact Sciences
Classification: Uncertain significance for BBS4-related condition. Last evaluated: 2025-02-14. Review status: criteria provided, single submitter. Criteria: ACMG Guidelines, 2015. Collection method: clinical testing. Allele origin: germline.
Comment: The BBS4 c.994A>G variant is predicted to result in the amino acid substitution p.Asn332Asp. This variant was reported in an individual with focal segmental glomerulosclerosis (Supplemental Table 4, Wang et al. 2019. PubMed ID: 31308072). This variant has not been reported in a large population database (gnomAD), indicating this variant is rare. At this time, the clinical significance of this variant is uncertain due to the absence of conclusive functional and genetic evidence.

Labcorp Genetics (formerly Invitae), Labcorp
Classification: Uncertain significance for Bardet-Biedl syndrome. Last evaluated: 2021-08-27. Review status: criteria provided, single submitter. Criteria: Invitae Variant Classification Sherloc (09022015). Collection method: clinical testing. Allele origin: germline.
Comment: This sequence change replaces asparagine with aspartic acid at codon 332 of the BBS4 protein (p.Asn332Asp). The asparagine residue is moderately conserved and there is a small physicochemical difference between asparagine and aspartic acid. This variant is not present in population databases (ExAC no frequency). This variant has not been reported in the literature in individuals affected with BBS4-related conditions. Algorithms developed to predict the effect of missense changes on protein structure and function are either unavailable or do not agree on the potential impact of this missense change (SIFT: "Tolerated"; PolyPhen-2: "Possibly Damaging"; Align-GVGD: "Class C0"). In summary, the available evidence is currently insufficient to determine the role of this variant in disease. Therefore, it has been classified as a Variant of Uncertain Significance.

NM_033028.5(BBS4):c.994A>G (p.Asn332Asp)

Gene: BBS4 (Bardet-Biedl syndrome 4; plus strand). Cytogenetic location: 15q24.1.
Variant type: single nucleotide variant.
Coding change: c.994A>G on transcript NM_033028.5 (MANE Select); coding-DNA position 994, A replaced by G.
Protein change: p.Asn332Asp; replaces asparagine 332 with aspartic acid.
Molecular consequence: missense variant. On other transcripts: non-coding transcript variant (2).
Genome position (GRCh38, 1-based): chr15:72,731,684, A>G. VCF-style: chr15-72731684-A-G. GRCh37 (hg19) VCF-style: chr15-73024025-A-G.
Other names: c.478A>G, p.Asn160Asp (NM_001252678.2); c.925A>G, p.Asn309Asp (NM_001320665.2); short protein forms N332D, N160D, N309D.
Identifiers: ClinVar variation 942451 (VCV000942451.8), dbSNP rs2065827783, ClinGen allele CA393079004.